The following is an entry in ClinVar:

ClinVar aggregate classification (germline): Conflicting classifications of pathogenicity. Review status: criteria provided, conflicting classifications (1 of 4 stars). 9 submissions from 8 submitters: Uncertain significance (1); Benign (4); Likely benign (1). 3 of the submissions do not count toward it. Last evaluated 2026-02-02.

Conditions:
Usher syndrome type 1 (USH1). Also called: RETINITIS PIGMENTOSA AND CONGENITAL DEAFNESS. Identifiers: Orphanet 231169, Orphanet 886, MedGen C1568247, MONDO:0010168, OMIM 276900.
Autosomal recessive nonsyndromic hearing loss 12. Also called: DEAFNESS, AUTOSOMAL RECESSIVE 12. Identifiers: Orphanet 90636, MedGen C1832394, MONDO:0011067, OMIM 601386.
Usher syndrome type 1D (USH1D). Also called: USHER SYNDROME, TYPE ID. Identifiers: Orphanet 231169, Orphanet 886, MedGen C1832845, MONDO:0010984, OMIM 601067.

Allele frequency attached by ClinVar (database versions not stated): gnomAD exomes 0.00064 and 0.00153; ExAC 0.00197; 1000 Genomes Project 0.00559; 1000 Genomes Project 30x 0.00578; ESP Exome Variant Server 0.00628; gnomAD 0.00647 and 0.00698; TOPMed 0.00759.
gnomAD v4.1: 1,965 of 1,613,646 alleles (0.12%); highest among the groups gnomAD compares: African/African-American, 2.3%; 28 homozygotes.

Submissions (9):

Labcorp Genetics (formerly Invitae), Labcorp
Classification: Benign. Last evaluated: 2026-02-02. Review status: criteria provided, single submitter. Criteria: Invitae Variant Classification Sherloc (09022015). Collection method: clinical testing. Allele origin: germline.

Mayo Clinic Laboratories, Mayo Clinic
Classification: Benign. Last evaluated: 2024-10-23. Review status: criteria provided, single submitter. Criteria: ACMG Guidelines, 2015. Collection method: clinical testing. Allele origin: germline. Observed: 1 variant allele.
Comment: BA1, BS2, BP4, BP7

GeneDx
Classification: Benign. Last evaluated: 2019-07-25. Review status: criteria provided, single submitter. Criteria: GeneDx Variant Classification Process June 2021. Collection method: clinical testing. Allele origin: germline. Affected: yes.

Illumina Laboratory Services, Illumina
Classification: Likely benign for Usher syndrome type 1D. Last evaluated: 2018-01-13. Review status: criteria provided, single submitter. Criteria: ICSL Variant Classification Criteria 13 December 2019. Collection method: clinical testing. Allele origin: germline.
Comment: This variant was observed in the ICSL laboratory as part of a predisposition screen in an ostensibly healthy population. It had not been previously curated by ICSL or reported in the Human Gene Mutation Database (HGMD: prior to June 1st, 2018), and was therefore a candidate for classification through an automated scoring system. Utilizing variant allele frequency, disease prevalence and penetrance estimates, and inheritance mode, an automated score was calculated to assess if this variant is too frequent to cause the disease. Based on the score and internal cut-off values, a variant classified as likely benign is not then subjected to further curation. The score for this variant resulted in a classification of likely benign for this disease.

Illumina Laboratory Services, Illumina
Classification: Uncertain significance for Autosomal recessive nonsyndromic hearing loss 12. Last evaluated: 2018-01-13. Review status: criteria provided, single submitter. Criteria: ICSL Variant Classification Criteria 13 December 2019. Collection method: clinical testing. Allele origin: germline.

Laboratory for Molecular Medicine, Mass General Brigham Personalized Medicine
Classification: Benign. Last evaluated: 2013-03-01. Review status: criteria provided, single submitter. Criteria: LMM Criteria. Collection method: clinical testing. Allele origin: germline. Observed: 9 variant alleles.
Comment: Thr1083Thr in exon 28 of CDH23: This variant is not expected to have clinical si gnificance because it has been identified in 1.9% (79/4184) of African American chromosomes by the NHLBI Exome Sequencing Project (EVS/; dbSNP rs79805606). In addition, it does not alter an amino acid residue an d is not near a splice junction.

Natera, Inc.
Classification: Benign for Usher syndrome type 1. Last evaluated: 2019-10-18. Review status: no assertion criteria provided. Collection method: clinical testing. Allele origin: germline. Not counted in ClinVar's aggregate classification.

Clinical Genetics DNA and cytogenetics Diagnostics Lab, Erasmus MC, Erasmus Medical Center
Classification: Benign. Review status: no assertion criteria provided. Collection method: clinical testing. Allele origin: germline. Affected: yes. Study: VKGL Data-share Consensus. Not counted in ClinVar's aggregate classification.

Clinical Genetics, Academic Medical Center
Classification: Benign. Review status: no assertion criteria provided. Collection method: clinical testing. Allele origin: germline. Affected: yes. Study: VKGL Data-share Consensus. Not counted in ClinVar's aggregate classification.

NM_022124.6(CDH23):c.3249G>A (p.Thr1083=)

Genes: C10orf105 (chromosome 10 open reading frame 105; minus strand), CDH23 (cadherin related 23; plus strand). Cytogenetic location: 10q22.1.
Variant type: single nucleotide variant.
Coding change: c.3249G>A on transcript NM_022124.6 (MANE Select); coding-DNA position 3249, G replaced by A.
Protein change: p.Thr1083=; no amino-acid change (threonine 1083 retained).
Molecular consequence: synonymous variant. On other transcripts: 3 prime UTR variant (2).
Genome position (GRCh38, 1-based): chr10:71,712,693, G>A. VCF-style: chr10-71712693-G-A. GRCh37 (hg19) VCF-style: chr10-73472450-G-A.
Other names: p.Thr1083=; c.*3243C>T (NM_001164375.3, NM_001168390.2); c.3249G>A, p.Thr1083= (NM_001171930.2).
Identifiers: ClinVar variation 45911 (VCV000045911.24), dbSNP rs79805606, ClinGen allele CA137360.
Genomic context (GRCh38, chr10:71,712,693, plus strand): 5'-TGCTAACACCTGTCTTCCTTCAACTCCCACAGACAACGGCCCTGTAGGGAAGCGACACAC[G>A]GGCACAGCCACCGTGTTCGTCACTGTCCTGGATGTGAATGACAACCGGCCCATCTTTCTG-3'
Protein context (NP_071407.4, residues 1073-1093): IDNGPVGKRH[Thr1083=]GTATVFVTVL